The following is an entry in ClinVar:

ClinVar aggregate classification (germline): Benign (1 of 4 stars; one submission).

Conditions:
Hypogonadotropic hypogonadism 7 with or without anosmia (HH7). Also called: HYPOGONADOTROPIC HYPOGONADISM 7 WITHOUT ANOSMIA; GNRHR-Related GnRH Deficiency. Identifiers: Orphanet 432, MedGen C0342384, MONDO:0007794, OMIM 146110.

Allele frequency attached by ClinVar (database versions not stated): TOPMed 0.43328; 1000 Genomes Project 0.46585; 1000 Genomes Project 30x 0.45846; gnomAD 0.45906.

Submission:

Illumina Laboratory Services, Illumina
Classification: Benign for Hypogonadotropic hypogonadism 7 with or without anosmia. Last evaluated: 2018-01-13. Review status: criteria provided, single submitter. Criteria: ICSL Variant Classification Criteria 13 December 2019. Collection method: clinical testing. Allele origin: germline.
Comment: This variant was observed in the ICSL laboratory as part of a predisposition screen in an ostensibly healthy population. It had not been previously curated by ICSL or reported in the Human Gene Mutation Database (HGMD: prior to June 1st, 2018), and was therefore a candidate for classification through an automated scoring system. Utilizing variant allele frequency, disease prevalence and penetrance estimates, and inheritance mode, an automated score was calculated to assess if this variant is too frequent to cause the disease. Based on the score and internal cut-off values, a variant classified as benign is not then subjected to further curation. The score for this variant resulted in a classification of benign for this disease.

NM_000406.2(GNRHR):c.-1279G>A

Gene: GNRHR (gonadotropin releasing hormone receptor; minus strand). Cytogenetic location: 4q13.2.
Variant type: single nucleotide variant.
Coding change: c.-1279G>A on transcript NM_000406.2; 1279 bases upstream of the start codon, G replaced by A.
Genome position (GRCh38, 1-based): chr4:67,755,614, C>T on the plus strand (G>A on the coding strand, the complement: GNRHR is on the minus strand). VCF-style: chr4-67755614-C-T. GRCh37 (hg19) VCF-style: chr4-68621332-C-T.
Identifiers: ClinVar variation 349478 (VCV000349478.7), dbSNP rs2062301, ClinGen allele CA10619111.